The following is an entry in ClinVar:

ClinVar aggregate classification (germline): Uncertain significance (1 of 4 stars; one submission).

Conditions:
Hereditary cancer-predisposing syndrome. Also called: Neoplastic Syndromes, Hereditary; Tumor predisposition; Hereditary Cancer Syndrome; Hereditary neoplastic syndrome. Identifiers: Orphanet 140162, MedGen C0027672, MeSH D009386, MONDO:0015356.

Submission:

Ambry Genetics
Classification: Uncertain significance for Hereditary cancer-predisposing syndrome. Last evaluated: 2022-09-11. Review status: criteria provided, single submitter. Criteria: Ambry Variant Classification Scheme 2023. Collection method: clinical testing. Allele origin: germline.
Comment: The p.T1259A variant (also known as c.3775A>G), located in coding exon 22 of the PTCH1 gene, results from an A to G substitution at nucleotide position 3775. The threonine at codon 1259 is replaced by alanine, an amino acid with similar properties. This amino acid position is conserved. In addition, the in silico prediction for this alteration is inconclusive. Since supporting evidence is limited at this time, the clinical significance of this alteration remains unclear.

NM_000264.5(PTCH1):c.3775A>G (p.Thr1259Ala)

Gene: PTCH1 (patched 1; minus strand). Cytogenetic location: 9q22.32.
Variant type: single nucleotide variant.
Coding change: c.3775A>G on transcript NM_000264.5 (MANE Select); coding-DNA position 3775, A replaced by G.
Protein change: p.Thr1259Ala; replaces threonine 1259 with alanine.
Molecular consequence: missense variant. On other transcripts: non-coding transcript variant (1).
Genome position (GRCh38, 1-based): chr9:95,449,098, T>C on the plus strand (A>G on the coding strand, the complement: PTCH1 is on the minus strand). VCF-style: chr9-95449098-T-C. GRCh37 (hg19) VCF-style: chr9-98211380-T-C.
Other names: c.3577A>G, p.Thr1193Ala (NM_001083602.3); c.3772A>G, p.Thr1258Ala (NM_001083603.3); c.3322A>G, p.Thr1108Ala (NM_001083604.3, NM_001083605.3, NM_001083606.3 and 1 more transcripts); c.3619A>G, p.Thr1207Ala (NM_001354918.2); short protein forms T1108A, T1258A, T1207A, T1259A, T1193A.
Identifiers: ClinVar variation 1734788 (VCV001734788.2), dbSNP rs1838207256, ClinGen allele CA374110963.